The following is an entry in ClinVar:

ClinVar aggregate classification (germline): Uncertain significance (1 of 4 stars; one submission).

Submission:

CeGaT Center for Human Genetics Tuebingen
Classification: Uncertain significance. Last evaluated: 2023-05-01. Review status: criteria provided, single submitter. Criteria: CeGaT Center For Human Genetics Tuebingen Variant Classification Criteria Version 2. Collection method: clinical testing. Allele origin: germline. Affected: yes. Observed: 1 variant allele.
Comment: ROBO4: PM2, PS2:Supporting, BP4

NM_019055.6(ROBO4):c.523G>A (p.Gly175Arg)

Gene: ROBO4 (roundabout guidance receptor 4; minus strand). Cytogenetic location: 11q24.2.
Variant type: single nucleotide variant.
Coding change: c.523G>A on transcript NM_019055.6 (MANE Select); coding-DNA position 523, G replaced by A.
Protein change: p.Gly175Arg; replaces glycine 175 with arginine.
Molecular consequence: missense variant.
Genome position (GRCh38, 1-based): chr11:124,896,548, C>T on the plus strand (G>A on the coding strand, the complement: ROBO4 is on the minus strand). VCF-style: chr11-124896548-C-T. GRCh37 (hg19) VCF-style: chr11-124766444-C-T.
Other names: c.88G>A, p.Gly30Arg (NM_001301088.2); short protein forms G175R, G30R.
Identifiers: ClinVar variation 2642508 (VCV002642508.24), dbSNP rs759731851, ClinGen allele CA383172911.
Genomic context (GRCh38, chr11:124,896,548, plus strand): 5'-GTGTGGGGGAGGGGGCCACACTTACTGTGTGCCTTCCGGGCTGGAGGGCCAGGGGTTTCC[C>T]ATCTTTCCACCATGAGACTGTGGGCTCTGGGTGGCCCCAGGGCGGCCCACATTCCAGAGT-3'
Protein context (NP_061928.4, residues 165-185): PEPTVSWWKD[Gly175Arg]KPLALQPGRH